The following is an entry in ClinVar:

ClinVar aggregate classification (germline): Benign. Review status: criteria provided, multiple submitters, no conflicts (2 of 4 stars). 4 submissions from 4 submitters: Benign (3). 1 of the submissions does not count toward it. Last evaluated 2026-02-03.

Conditions:
NXN-related disorder. Also called: NXN-related condition.

Allele frequency attached by ClinVar (database versions not stated): 1000 Genomes Project 0.02196; 1000 Genomes Project 30x 0.02202; TOPMed 0.02535; gnomAD exomes 0.00789 and 0.00302; ExAC 0.00850; gnomAD 0.02016; ESP Exome Variant Server 0.02606.
gnomAD v4.1: 8,029 of 1,614,166 alleles (0.5%); highest among the groups gnomAD compares: African/African-American, 7%; 249 homozygotes.

Submissions (4):

Labcorp Genetics (formerly Invitae), Labcorp
Classification: Benign. Last evaluated: 2026-02-03. Review status: criteria provided, single submitter. Criteria: Invitae Variant Classification Sherloc (09022015). Collection method: clinical testing. Allele origin: germline.

GeneDx
Classification: Benign. Last evaluated: 2021-05-05. Review status: criteria provided, single submitter. Criteria: GeneDx Variant Classification Process June 2021. Collection method: clinical testing. Allele origin: germline. Affected: yes.

Breakthrough Genomics
Classification: Benign. Review status: criteria provided, single submitter. Criteria: ACMG Guidelines, 2015. Collection method: not provided. Allele origin: germline. Inheritance: Autosomal recessive inheritance. Affected: yes.

PreventionGenetics, part of Exact Sciences
Classification: Benign for NXN-related condition. Last evaluated: 2019-03-25. Review status: no assertion criteria provided. Collection method: clinical testing. Allele origin: germline. Not counted in ClinVar's aggregate classification.
Comment: This variant is classified as benign based on ACMG/AMP sequence variant interpretation guidelines (Richards et al. 2015 PMID: 25741868, with internal and published modifications).

NM_022463.5(NXN):c.1114G>A (p.Val372Ile)

Gene: NXN (nucleoredoxin; minus strand). Cytogenetic location: 17p13.3.
Variant type: single nucleotide variant.
Coding change: c.1114G>A on transcript NM_022463.5 (MANE Select); coding-DNA position 1114, G replaced by A.
Protein change: p.Val372Ile; replaces valine 372 with isoleucine.
Molecular consequence: missense variant.
Genome position (GRCh38, 1-based): chr17:803,693, C>T on the plus strand (G>A on the coding strand, the complement: NXN is on the minus strand). VCF-style: chr17-803693-C-T. GRCh37 (hg19) VCF-style: chr17-706933-C-T.
Other names: c.790G>A, p.Val264Ile (NM_001205319.1); short protein forms V264I, V372I.
Identifiers: ClinVar variation 768809 (VCV000768809.15), dbSNP rs61731770, ClinGen allele CA8263946.
Genomic context (GRCh38, chr17:803,693, plus strand): 5'-GAAGTCCCAGCTGAGCCAGCCCTGGGCCAAGCCTCTCCTCCGCACTCACCTCCCCGGCTA[C>T]GAAGAACAGAAGGGGTGCCTCCTCCTCTTTGGCTTTGTACTTGGCAATGATTTTCTCAGC-3'
Protein context (NP_071908.2, residues 362-382): KEEEAPLLFF[Val372Ile]AGEDDMTDSL